The following is an entry in ClinVar:

NM_020964.3(EPG5):c.2180T>C (p.Met727Thr)

Gene: EPG5 (ectopic P-granules 5 autophagy tethering factor; minus strand). Cytogenetic location: 18q21.1.
Variant type: single nucleotide variant.
Coding change: c.2180T>C on transcript NM_020964.3 (MANE Select); coding-DNA position 2180, T replaced by C.
Protein change: p.Met727Thr; replaces methionine 727 with threonine.
Molecular consequence: missense variant.
Genome position (GRCh38, 1-based): chr18:45,934,886, A>G on the plus strand (T>C on the coding strand, the complement: EPG5 is on the minus strand). VCF-style: chr18-45934886-A-G. GRCh37 (hg19) VCF-style: chr18-43514852-A-G.
Other names: short protein forms M727T.
Identifiers: ClinVar variation 839557 (VCV000839557.2), dbSNP rs2050483526, ClinGen allele CA402347674.

ClinVar aggregate classification (germline): Uncertain significance (1 of 4 stars; one submission).

Conditions:
Vici syndrome (VICIS). Identifiers: Orphanet 1493, MedGen C1855772, MONDO:0009452, OMIM 242840.

Allele frequency attached by ClinVar (database versions not stated): gnomAD exomes below 0.00001.
gnomAD v4.1: 1 of 1,614,212 alleles (0.000062%); highest among the groups gnomAD compares: East Asian, 0.0022%; no homozygotes.

Submission:

Labcorp Genetics (formerly Invitae), Labcorp
Classification: Uncertain significance for Vici syndrome. Last evaluated: 2019-02-01. Review status: criteria provided, single submitter. Criteria: Invitae Variant Classification Sherloc (09022015). Collection method: clinical testing. Allele origin: germline.
Comment: This sequence change replaces methionine with threonine at codon 727 of the EPG5 protein (p.Met727Thr). The methionine residue is moderately conserved and there is a moderate physicochemical difference between methionine and threonine. This variant is not present in population databases (ExAC no frequency). This variant has not been reported in the literature in individuals with EPG5-related conditions. Algorithms developed to predict the effect of missense changes on protein structure and function are either unavailable or do not agree on the potential impact of this missense change (SIFT: "Deleterious"; PolyPhen-2: "Possibly Damaging"; Align-GVGD: "Class C0"). In summary, the available evidence is currently insufficient to determine the role of this variant in disease. Therefore, it has been classified as a Variant of Uncertain Significance.